The following is an entry in ClinVar:

NM_020987.5(ANK3):c.9469T>G (p.Ser3157Ala)

Gene: ANK3 (ankyrin 3; minus strand). Cytogenetic location: 10q21.2.
Variant type: single nucleotide variant.
Coding change: c.9469T>G on transcript NM_020987.5 (MANE Select); coding-DNA position 9469, T replaced by G.
Protein change: p.Ser3157Ala; replaces serine 3157 with alanine.
Molecular consequence: missense variant. On other transcripts: intron variant (4).
Genome position (GRCh38, 1-based): chr10:60,071,412, A>C on the plus strand (T>G on the coding strand, the complement: ANK3 is on the minus strand). VCF-style: chr10-60071412-A-C. GRCh37 (hg19) VCF-style: chr10-61831170-A-C.
Other names: c.4388-3403T>G (NM_001204403.2); c.4409-3403T>G (NM_001204404.2); c.4406-3403T>G (NM_001320874.2); c.1808-3403T>G (NM_001149.4); short protein forms S3157A.
Identifiers: ClinVar variation 1486937 (VCV001486937.8), dbSNP rs2131971323, ClinGen allele CA377003110.

ClinVar aggregate classification (germline): Uncertain significance (1 of 4 stars; one submission).

Submission:

Labcorp Genetics (formerly Invitae), Labcorp
Classification: Uncertain significance. Last evaluated: 2022-08-09. Review status: criteria provided, single submitter. Criteria: Invitae Variant Classification Sherloc (09022015). Collection method: clinical testing. Allele origin: germline.
Comment: In summary, the available evidence is currently insufficient to determine the role of this variant in disease. Therefore, it has been classified as a Variant of Uncertain Significance. Algorithms developed to predict the effect of missense changes on protein structure and function are either unavailable or do not agree on the potential impact of this missense change (SIFT: "Not Available"; PolyPhen-2: "Possibly Damaging"; Align-GVGD: "Not Available"). ClinVar contains an entry for this variant (Variation ID: 1486937). This variant has not been reported in the literature in individuals affected with ANK3-related conditions. This variant is not present in population databases (gnomAD no frequency). This sequence change replaces serine, which is neutral and polar, with alanine, which is neutral and non-polar, at codon 3157 of the ANK3 protein (p.Ser3157Ala).